The following is an entry in ClinVar:

NM_007373.4(SHOC2):c.1089A>T (p.Glu363Asp)

Gene: SHOC2 (SHOC2 leucine rich repeat scaffold protein; plus strand). Cytogenetic location: 10q25.2.
Variant type: single nucleotide variant.
Coding change: c.1089A>T on transcript NM_007373.4 (MANE Select); coding-DNA position 1089, A replaced by T.
Protein change: p.Glu363Asp; replaces glutamic acid 363 with aspartic acid.
Molecular consequence: missense variant. On other transcripts: non-coding transcript variant (1).
Genome position (GRCh38, 1-based): chr10:111,004,722, A>T. VCF-style: chr10-111004722-A-T. GRCh37 (hg19) VCF-style: chr10-112764480-A-T.
Other names: c.951A>T, p.Glu317Asp (NM_001269039.3, NM_001441186.1); c.1089A>T, p.Glu363Asp (NM_001324336.2, NM_001324337.2, NM_001441184.1 and 2 more transcripts); c.420A>T, p.Glu140Asp (NM_001441188.1); c.6A>T, p.Glu2Asp (NM_001441189.1, NM_001441190.1, NM_001441191.1); short protein forms E2D, E363D, E140D, E317D.
Identifiers: ClinVar variation 4743002 (VCV004743002.1).

ClinVar aggregate classification (germline): Uncertain significance (1 of 4 stars; one submission).

Conditions:
RASopathy. Also called: rasopathies; Noonan spectrum disorder. Identifiers: Orphanet 536391, MedGen C5555857, MONDO:0021060.

Submission:

Labcorp Genetics (formerly Invitae), Labcorp
Classification: Uncertain significance for RASopathy. Last evaluated: 2025-03-26. Review status: criteria provided, single submitter. Criteria: Invitae Variant Classification Sherloc (09022015). Collection method: clinical testing. Allele origin: germline.
Comment: This sequence change replaces glutamic acid, which is acidic and polar, with aspartic acid, which is acidic and polar, at codon 363 of the SHOC2 protein (p.Glu363Asp). This variant is not present in population databases (gnomAD no frequency). This variant has not been reported in the literature in individuals affected with SHOC2-related conditions. Invitae Evidence Modeling of protein sequence and biophysical properties (such as structural, functional, and spatial information, amino acid conservation, physicochemical variation, residue mobility, and thermodynamic stability) indicates that this missense variant is not expected to disrupt SHOC2 protein function with a negative predictive value of 80%. In summary, the available evidence is currently insufficient to determine the role of this variant in disease. Therefore, it has been classified as a Variant of Uncertain Significance.